The following is an entry in ClinVar:

ClinVar aggregate classification (germline): Likely pathogenic (1 of 4 stars; one submission).

Conditions:
Retinitis pigmentosa 71 (RP71). Identifiers: Orphanet 791, MedGen C4225342, MONDO:0014618, OMIM 616394.
Short-rib thoracic dysplasia 10 with or without polydactyly (SRTD10). Identifiers: Orphanet 474, MedGen C3810175, MONDO:0014284, OMIM 615630.

Allele frequency attached by ClinVar (database versions not stated): gnomAD exomes below 0.00001; ExAC 0.00001.
gnomAD v4.1: 1 of 1,610,964 alleles (0.000062%); highest among the groups gnomAD compares: Admixed American, 0.0017%; no homozygotes.

Submission:

Labcorp Genetics (formerly Invitae), Labcorp
Classification: Likely pathogenic for Retinitis pigmentosa 71; Short-rib thoracic dysplasia 10 with or without polydactyly. Last evaluated: 2022-11-14. Review status: criteria provided, single submitter. Criteria: Invitae Variant Classification Sherloc (09022015). Collection method: clinical testing. Allele origin: germline.
Comment: This sequence change affects an acceptor splice site in intron 13 of the IFT172 gene. It is expected to disrupt RNA splicing. Variants that disrupt the donor or acceptor splice site typically lead to a loss of protein function (PMID: 16199547), and loss-of-function variants in IFT172 are known to be pathogenic (PMID: 24140113). This variant is present in population databases (rs781527567, gnomAD 0.003%). This variant has not been reported in the literature in individuals affected with IFT172-related conditions. Algorithms developed to predict the effect of sequence changes on RNA splicing suggest that this variant may disrupt the consensus splice site. In summary, the currently available evidence indicates that the variant is pathogenic, but additional data are needed to prove that conclusively. Therefore, this variant has been classified as Likely Pathogenic.

Literature cited by the submitters: PubMed 16199547; PubMed 24140113.

NM_015662.3(IFT172):c.1326-1G>A

Gene: IFT172 (intraflagellar transport 172; minus strand). Cytogenetic location: 2p23.3.
Variant type: single nucleotide variant.
Coding change: c.1326-1G>A on transcript NM_015662.3 (MANE Select); the canonical splice acceptor site of the intron before coding-DNA position 1326, G replaced by A.
Molecular consequence: splice acceptor variant.
Genome position (GRCh38, 1-based): chr2:27,476,727, C>T on the plus strand (G>A on the coding strand, the complement: IFT172 is on the minus strand). VCF-style: chr2-27476727-C-T. GRCh37 (hg19) VCF-style: chr2-27699594-C-T.
Other names: c.1326-1G>A (NM_001410739.1).
Identifiers: ClinVar variation 2941557 (VCV002941557.3), dbSNP rs781527567, ClinGen allele CA1580691.